The following is an entry in ClinVar:

ClinVar aggregate classification (germline): Likely benign (0 of 4 stars; one submission).

Conditions:
LEP-related disorder. Also called: LEP-related condition.

Submission:

PreventionGenetics, part of Exact Sciences
Classification: Likely benign for LEP-related condition. Last evaluated: 2023-01-27. Review status: no assertion criteria provided. Collection method: clinical testing. Allele origin: germline.
Comment: This variant is classified as likely benign based on ACMG/AMP sequence variant interpretation guidelines (Richards et al. 2015 PMID: 25741868, with internal and published modifications).

NM_000230.3(LEP):c.213C>G (p.Thr71=)

Gene: LEP (leptin; plus strand). Cytogenetic location: 7q32.1.
Variant type: single nucleotide variant.
Coding change: c.213C>G on transcript NM_000230.3 (MANE Select); coding-DNA position 213, C replaced by G.
Protein change: p.Thr71=; no amino-acid change (threonine 71 retained).
Molecular consequence: synonymous variant.
Genome position (GRCh38, 1-based): chr7:128,254,472, C>G. VCF-style: chr7-128254472-C-G. GRCh37 (hg19) VCF-style: chr7-127894525-C-G.
Identifiers: ClinVar variation 3356499 (VCV003356499.1).
Genomic context (GRCh38, chr7:128,254,472, plus strand): 5'-CTCCTCCAAACAGAAAGTCACCGGTTTGGACTTCATTCCTGGGCTCCACCCCATCCTGAC[C>G]TTATCCAAGATGGACCAGACACTGGCAGTCTACCAACAGATCCTCACCAGTATGCCTTCC-3'
Protein context (NP_000221.1, residues 61-81): DFIPGLHPIL[Thr71=]LSKMDQTLAV